The following is an entry in ClinVar:

NM_001374736.1(DST):c.14742T>C (p.Arg4914=)

Gene: DST (dystonin; minus strand). Cytogenetic location: 6p12.1.
Variant type: single nucleotide variant.
Coding change: c.14742T>C on transcript NM_001374736.1 (MANE Select); coding-DNA position 14742, T replaced by C.
Protein change: p.Arg4914=; no amino-acid change (arginine 4914 retained).
Molecular consequence: synonymous variant.
Genome position (GRCh38, 1-based): chr6:56,555,739, A>G on the plus strand (T>C on the coding strand, the complement: DST is on the minus strand). VCF-style: chr6-56555739-A-G. GRCh37 (hg19) VCF-style: chr6-56420537-A-G.
Other names: c.8385T>C, p.Arg2795= (NM_001144769.5); c.7971T>C, p.Arg2657= (NM_001144770.2); c.14742T>C, p.Arg4914= (NM_001374722.1); c.14109T>C, p.Arg4703= (NM_001374729.1); c.7851T>C, p.Arg2617= (NM_001374730.1, NM_001386100.1, NM_183380.4); c.14769T>C, p.Arg4923= (NM_001374734.1); c.6873T>C, p.Arg2291= (NM_015548.5).
Identifiers: ClinVar variation 2155657 (VCV002155657.2), dbSNP rs377411979, ClinGen allele CA3867933.

ClinVar aggregate classification (germline): Uncertain significance (1 of 4 stars; one submission).

Conditions:
Hereditary sensory and autonomic neuropathy type 6. Also called: HSAN VI; Neuropathy, hereditary sensory and autonomic, type VI. Identifiers: Orphanet 314381, MedGen C3539003, MONDO:0013839, OMIM 614653.
Epidermolysis bullosa simplex 3, localized or generalized intermediate, with BP230 deficiency (EBS3). Also called: Epidermolysis bullosa simplex due to BP230 deficiency; Epidermolysis bullosa simplex, autosomal recessive 2. Identifiers: Orphanet 412181, MedGen C3809470, MONDO:0014180, OMIM 615425.

Allele frequency attached by ClinVar (database versions not stated): gnomAD exomes below 0.00001; ExAC 0.00001; gnomAD 0.00002; TOPMed 0.00003; ESP Exome Variant Server 0.00008.
gnomAD v4.1: 5 of 1,607,036 alleles (0.00031%); highest among the groups gnomAD compares: African/African-American, 0.0067%; no homozygotes.

Submission:

Labcorp Genetics (formerly Invitae), Labcorp
Classification: Uncertain significance for Epidermolysis bullosa simplex 3, localized or generalized intermediate, with BP230 deficiency; Hereditary sensory and autonomic neuropathy type 6. Last evaluated: 2022-12-27. Review status: criteria provided, single submitter. Criteria: Invitae Variant Classification Sherloc (09022015). Collection method: clinical testing. Allele origin: germline.
Comment: In summary, the available evidence is currently insufficient to determine the role of this variant in disease. Therefore, it has been classified as a Variant of Uncertain Significance. Experimental studies and prediction algorithms are not available or were not evaluated, and the effect of this variant on mRNA splicing is currently unknown. This variant has not been reported in the literature in individuals affected with DST-related conditions. This variant is present in population databases (rs377411979, gnomAD 0.008%). This sequence change affects codon 2291 of the DST mRNA. It is a 'silent' change, meaning that it does not change the encoded amino acid sequence of the DST protein. The DST gene has multiple clinically relevant transcripts. This variant occurs in alternate transcript NM_015548.4, and corresponds to NM_001723.5:c.*59778T>C in the primary transcript.